The following is an entry in ClinVar:

ClinVar aggregate classification (germline): Uncertain significance. Review status: criteria provided, multiple submitters, no conflicts (2 of 4 stars). 4 submissions from 4 submitters: Uncertain significance (3). 1 of the submissions does not count toward it. Last evaluated 2024-11-06.

Conditions:
Marfan syndrome (MFS). Also called: MARFAN SYNDROME, TYPE I; FBN1-Related Marfan Syndrome; Marfan syndrome type 1; Marfan's syndrome; Marfan syndrome, classic. Identifiers: Orphanet 284963, Orphanet 558, MedGen C0024796, MONDO:0007947, OMIM 154700.
FBN1-related disorder. Also called: FBN1-related disorders.

Submissions (4):

PreventionGenetics, part of Exact Sciences
Classification: Uncertain significance for FBN1-related condition. Last evaluated: 2024-11-06. Review status: criteria provided, single submitter. Criteria: ACMG Guidelines, 2015. Collection method: clinical testing. Allele origin: germline.
Comment: The FBN1 c.7817_7819delTTG variant is predicted to result in an in-frame deletion (p.Val2606del). This variant was reported in an individual with Marfan syndrome (Baetens et al. 2011. PubMed ID: 21542060; Table S1, Muiño-Mosquera et al. 2018. PubMed ID: 29875124). This variant has not been reported in a large population database, indicating this variant is rare. Although we suspect that this variant may be pathogenic, at this time, the clinical significance of this variant is uncertain due to the absence of conclusive functional and genetic evidence.

Centre of Medical Genetics, University of Antwerp
Classification: Uncertain significance for Marfan syndrome. Last evaluated: 2021-03-01. Review status: criteria provided, single submitter. Criteria: Submitter's publication. Collection method: research. Allele origin: unknown. Affected: yes.
Comment: PM2, PM4, PP4

ARUP Laboratories, Molecular Genetics and Genomics, ARUP Laboratories
Classification: Uncertain significance. Last evaluated: 2016-11-22. Review status: criteria provided, single submitter. Criteria: ARUP Molecular Germline Variant Investigation Process. Collection method: clinical testing. Allele origin: germline.

Center for Medical Genetics Ghent, University of Ghent
Classification: Uncertain significance for Marfan syndrome. Last evaluated: 2017-11-07. Review status: no assertion criteria provided. Collection method: clinical testing. Allele origin: germline. Affected: yes. Not counted in ClinVar's aggregate classification.

NM_000138.5(FBN1):c.7817_7819del (p.Val2606del)

Gene: FBN1 (fibrillin 1; minus strand). Cytogenetic location: 15q21.1.
Variant type: Deletion.
Coding change: c.7817_7819del on transcript NM_000138.5 (MANE Select); coding-DNA positions 7817 to 7819, 3 bases deleted (TTG; older notation c.7817_7819delTTG).
Protein change: p.Val2606del; deletes valine 2606.
Molecular consequence: inframe deletion.
Genome position (GRCh38, 1-based): chr15:48,420,687-48,420,689, CAA deleted on the plus strand (TTG on the coding strand, the reverse complement: FBN1 is on the minus strand); deleting any 3 consecutive bases within chr15:48,420,687-48,420,691 gives the same sequence; the c. name uses the placement nearest the transcript's 3' end. VCF-style (leftmost placement, unchanged base first): chr15-48420686-CCAA-C. GRCh37 (hg19) VCF-style: chr15-48712883-CCAA-C.
Other names: c.7817_7819delTTG (NM_000138.4).
Identifiers: ClinVar variation 439710 (VCV000439710.25), dbSNP rs1555394136, ClinGen allele CA645509188.
Genomic context (GRCh38, chr15:48,420,686, plus strand): 5'-AGTGTTTTGCTTCATAGGACCTGATAGCCATGCATCTTGAGAGTGAGGAAAAGTTACTTG[CCAA>C]CACACTGGTTCCACTGGTAGTGCTGGAGGTAGCCCTGGGGGCAGCTGCACCTGTAGCCCC-3'